The following is an entry in ClinVar:

NM_000448.3(RAG1):c.2659G>A (p.Asp887Asn)

Gene: RAG1 (recombination activating 1; plus strand). Cytogenetic location: 11p12.
Variant type: single nucleotide variant.
Coding change: c.2659G>A on transcript NM_000448.3 (MANE Select); coding-DNA position 2659, G replaced by A.
Protein change: p.Asp887Asn; replaces aspartic acid 887 with asparagine.
Molecular consequence: missense variant.
Genome position (GRCh38, 1-based): chr11:36,575,963, G>A. VCF-style: chr11-36575963-G-A. GRCh37 (hg19) VCF-style: chr11-36597513-G-A.
Other names: NM_000448.3(RAG1):c.2659G>A; c.2659G>A, p.Asp887Asn (NM_001377277.1, NM_001377278.1, NM_001377279.1 and 1 more transcripts); short protein forms D887N.
Identifiers: ClinVar variation 304505 (VCV000304505.41), dbSNP rs4151034, ClinGen allele CA5950306.

ClinVar aggregate classification (germline): Likely benign. Review status: reviewed by expert panel (3 of 4 stars). 6 submissions from 5 submitters: Likely benign (1). 5 of the submissions do not count toward it. Last evaluated 2026-05-06.

Conditions:
Severe combined immunodeficiency, autosomal recessive, T cell-negative, B cell-negative, NK cell-positive. Also called: Severe combined immunodeficiency due to complete RAG1/2 deficiency; SCID, T CELL-NEGATIVE, B CELL-NEGATIVE, NK CELL-POSITIVE; SCID, AR, T-cell negative, B-cell negative, NK cell-positive. Identifiers: Orphanet 331206, MedGen C1832322, MONDO:0011086, OMIM 601457.
Recombinase activating gene 1 deficiency. Identifiers: MedGen CN375631, MONDO:0000572.
Combined immunodeficiency with skin granulomas. Identifiers: Orphanet 157949, MedGen C2673536, MONDO:0009306, OMIM 233650.
Histiocytic medullary reticulosis. Also called: SEVERE COMBINED IMMUNODEFICIENCY WITH HYPEREOSINOPHILIA; Omenn syndrome. Identifiers: Orphanet 39041, MedGen C2700553, MONDO:0011338, OMIM 603554.

Allele frequency attached by ClinVar (database versions not stated): TOPMed 0.00090; ESP Exome Variant Server 0.00115; 1000 Genomes Project 0.00140; 1000 Genomes Project 30x 0.00141; gnomAD exomes 0.00237 and 0.00427; gnomAD 0.00348 and 0.00364; ExAC 0.00352.
gnomAD v4.1: 3,960 of 1,614,160 alleles (0.25%); highest among the groups gnomAD compares: Non-Finnish European, 0.13%; 40 homozygotes.

Submissions (6):

ClinGen Severe Combined Immunodeficiency Variant Curation Expert Panel, ClinGen
Classification: Likely benign for Recombinase activating gene 1 deficiency. Last evaluated: 2026-05-06. Review status: reviewed by expert panel. Criteria: ClinGen SCID ACMG Specifications RAG1 V2.1.0. Collection method: curation. Allele origin: germline. Inheritance: Autosomal recessive inheritance.
Comment: The NM_000448.3:c.2659G>A variant in RAG1 is a missense variant predicted to cause the substitution of Aspartic Acid by Asparagine at amino acid 887 (p.Asp887Asn). The Grpmax Filtering allele frequency of this variant is 0.0012931 in gnomAD v4.1.0, which is higher than the ClinGen SCID VCEP threshold for PM2 (<0.000102), but lower than BS1 threshold (0.00195) (BS1 not met, BA1 not met, PM2_Supporting not met). However, the allele frequency in the European Finnish population is 0.03410 (2183/64024 alleles). As this population is known not to have a higher incidence of SCID, it will be considered for BS1, and then, as 0.03410 is higher than the BS1 threshold (>0.00195), it will meet this criterion (BS1) Additionally, 40 homozygous adults are reported on gnomAD v.4.1.0, BS2_Supporting is Met. (n=36 in European Finnish and n=4 in European (non-Finnish). This variant was found in the literature in some publications related to cancer and schizophrenia but was never related to Severe Combined Immunodeficiencies or other RAG1-related conditions. In summary, this variant meets the criteria to be classified as Likely benign for autosomal recessive SCID based on ACMG/AMP criteria applied, as specified by the ClinGen SCID-VCEP: BS1 and BS2_Supporting (VCEP specifications version 2.1.0).

Labcorp Genetics (formerly Invitae), Labcorp
Classification: Benign for Combined immunodeficiency with skin granulomas; Severe combined immunodeficiency, autosomal recessive, T cell-negative, B cell-negative, NK cell-positive. Last evaluated: 2026-02-01. Review status: criteria provided, single submitter. Criteria: Invitae Variant Classification Sherloc (09022015). Collection method: clinical testing. Allele origin: germline. Not counted in ClinVar's aggregate classification.

CeGaT Center for Human Genetics Tuebingen
Classification: Benign. Last evaluated: 2025-06-01. Review status: criteria provided, single submitter. Criteria: CeGaT Center For Human Genetics Tuebingen Variant Classification Criteria Version 2. Collection method: clinical testing. Allele origin: germline. Affected: yes. Observed: 2 variant alleles. Not counted in ClinVar's aggregate classification.
Comment: RAG1: BS1, BS2

ARUP Laboratories, Molecular Genetics and Genomics, ARUP Laboratories
Classification: Benign. Last evaluated: 2023-09-28. Review status: criteria provided, single submitter. Criteria: ARUP Molecular Germline Variant Investigation Process 2024. Collection method: clinical testing. Allele origin: germline. Not counted in ClinVar's aggregate classification.

Illumina Laboratory Services, Illumina
Classification: Likely benign for Histiocytic medullary reticulosis. Last evaluated: 2018-01-12. Review status: criteria provided, single submitter. Criteria: ICSL Variant Classification Criteria 13 December 2019. Collection method: clinical testing. Allele origin: germline. Not counted in ClinVar's aggregate classification.
Comment: This variant was observed in the ICSL laboratory as part of a predisposition screen in an ostensibly healthy population. It had not been previously curated by ICSL or reported in the Human Gene Mutation Database (HGMD: prior to June 1st, 2018), and was therefore a candidate for classification through an automated scoring system. Utilizing variant allele frequency, disease prevalence and penetrance estimates, and inheritance mode, an automated score was calculated to assess if this variant is too frequent to cause the disease. Based on the score and internal cut-off values, a variant classified as likely benign is not then subjected to further curation. The score for this variant resulted in a classification of likely benign for this disease.

Illumina Laboratory Services, Illumina
Classification: Likely benign for Severe combined immunodeficiency, autosomal recessive, T cell-negative, B cell-negative, NK cell-positive. Last evaluated: 2018-01-12. Review status: criteria provided, single submitter. Criteria: ICSL Variant Classification Criteria 13 December 2019. Collection method: clinical testing. Allele origin: germline. Not counted in ClinVar's aggregate classification.
Comment: the same text as in the submission from Illumina Laboratory Services, Illumina above.